The following is an entry in ClinVar:

ClinVar aggregate classification (germline): Uncertain significance (1 of 4 stars; one submission).

Submission:

Labcorp Genetics (formerly Invitae), Labcorp
Classification: Uncertain significance. Last evaluated: 2023-12-20. Review status: criteria provided, single submitter. Criteria: Invitae Variant Classification Sherloc (09022015). Collection method: clinical testing. Allele origin: germline.
Comment: This sequence change replaces leucine, which is neutral and non-polar, with phenylalanine, which is neutral and non-polar, at codon 711 of the HYOU1 protein (p.Leu711Phe). This variant is not present in population databases (gnomAD no frequency). This variant has not been reported in the literature in individuals affected with HYOU1-related conditions. An algorithm developed to predict the effect of missense changes on protein structure and function (PolyPhen-2) suggests that this variant is likely to be tolerated. In summary, the available evidence is currently insufficient to determine the role of this variant in disease. Therefore, it has been classified as a Variant of Uncertain Significance.

NM_006389.5(HYOU1):c.2133G>C (p.Leu711Phe)

Gene: HYOU1 (hypoxia up-regulated 1; minus strand). Cytogenetic location: 11q23.3.
Variant type: single nucleotide variant.
Coding change: c.2133G>C on transcript NM_006389.5 (MANE Select); coding-DNA position 2133, G replaced by C.
Protein change: p.Leu711Phe; replaces leucine 711 with phenylalanine.
Molecular consequence: missense variant.
Genome position (GRCh38, 1-based): chr11:119,048,746, C>G on the plus strand (G>C on the coding strand, the complement: HYOU1 is on the minus strand). VCF-style: chr11-119048746-C-G. GRCh37 (hg19) VCF-style: chr11-118919458-C-G.
Other names: c.2133G>C, p.Leu711Phe (NM_001130991.3, NM_001411041.1); short protein forms L711F.
Identifiers: ClinVar variation 2704421 (VCV002704421.3), dbSNP rs2497123386, ClinGen allele CA382926740.